The following is an entry in ClinVar:

ClinVar aggregate classification (germline): Benign. Review status: criteria provided, multiple submitters, no conflicts (2 of 4 stars). 2 submissions from 2 submitters: Benign (2). Last evaluated 2024-07-15.

Allele frequency attached by ClinVar (database versions not stated): gnomAD exomes 0.21369; gnomAD 0.25132 and 0.25764; TOPMed 0.27674; 1000 Genomes Project 30x 0.36212; 1000 Genomes Project 0.36342.
gnomAD v4.1: 230,035 of 1,042,498 alleles (22%); highest among the groups gnomAD compares: East Asian, 60%; 32,174 homozygotes.

Submissions (2):

Unidad de Genómica Garrahan, Hospital de Pediatría Garrahan
Classification: Benign. Last evaluated: 2024-07-15. Review status: criteria provided, single submitter. Criteria: ACMG Guidelines, 2015. Collection method: clinical testing. Allele origin: germline. Affected: no. Observed: 47 variant alleles.
Comment: This variant is classified as Benign based on local population frequency. This variant was detected in 51% of patients studied in a panel designed for Epileptic and Developmental Encephalopathy and Progressive Myoclonus Epilepsy. Number of patients: 47. Only high quality variants are reported.

GeneDx
Classification: Benign. Last evaluated: 2018-06-25. Review status: criteria provided, single submitter. Criteria: GeneDx Variant Classification Process June 2021. Collection method: clinical testing. Allele origin: germline. Affected: yes.

NM_177550.5(SLC13A5):c.840-105A>G

Gene: SLC13A5 (solute carrier family 13 member 5; minus strand). Cytogenetic location: 17p13.1.
Variant type: single nucleotide variant.
Coding change: c.840-105A>G on transcript NM_177550.5 (MANE Select); 105 bases into the intron before coding-DNA position 840, A replaced by G.
Molecular consequence: intron variant.
Genome position (GRCh38, 1-based): chr17:6,696,046, T>C on the plus strand (A>G on the coding strand, the complement: SLC13A5 is on the minus strand). VCF-style: chr17-6696046-T-C. GRCh37 (hg19) VCF-style: chr17-6599365-T-C.
Other names: c.711-105A>G (NM_001284510.2); c.789-105A>G (NM_001284509.2); c.840-105A>G (NM_001143838.3).
Identifiers: ClinVar variation 1178494 (VCV001178494.4), dbSNP rs7220915, ClinGen allele CA14444405.